The following is an entry in ClinVar:

NM_015295.3(SMCHD1):c.4901C>G (p.Ser1634Cys)

Gene: SMCHD1 (structural maintenance of chromosomes flexible hinge domain containing 1; plus strand). Cytogenetic location: 18p11.32.
Variant type: single nucleotide variant.
Coding change: c.4901C>G on transcript NM_015295.3 (MANE Select); coding-DNA position 4901, C replaced by G.
Protein change: p.Ser1634Cys; replaces serine 1634 with cysteine.
Molecular consequence: missense variant.
Genome position (GRCh38, 1-based): chr18:2,770,043, C>G. VCF-style: chr18-2770043-C-G. GRCh37 (hg19) VCF-style: chr18-2770041-C-G.
Other names: c.4901C>G (NM_015295.2); short protein forms S1634C.
Identifiers: ClinVar variation 3708391 (VCV003708391.3).

ClinVar aggregate classification (germline): Uncertain significance. Review status: criteria provided, multiple submitters, no conflicts (2 of 4 stars). 2 submissions from 2 submitters: Uncertain significance (2). Last evaluated 2025-08-27.

Conditions:
Facioscapulohumeral muscular dystrophy 2 (FSHD2). Also called: MUSCULAR DYSTROPHY, FACIOSCAPULOHUMERAL, TYPE 1B; FACIOSCAPULOHUMERAL MUSCULAR DYSTROPHY 2, DIGENIC; FSHD2, DIGENIC. Identifiers: Orphanet 269, MedGen C1834671, MONDO:0008031, OMIM 158901.
Inborn genetic diseases. Identifiers: MedGen C0950123, MeSH D030342.

gnomAD v4.1: 9 of 1,603,418 alleles (0.00056%); highest among the groups gnomAD compares: Non-Finnish European, 0.00068%; no homozygotes.

Submissions (2):

Ambry Genetics
Classification: Uncertain significance for Inborn genetic diseases. Last evaluated: 2025-08-27. Review status: criteria provided, single submitter. Criteria: Ambry Variant Classification Scheme 2023. Collection method: clinical testing. Allele origin: germline.

Labcorp Genetics (formerly Invitae), Labcorp
Classification: Uncertain significance for Facioscapulohumeral muscular dystrophy 2. Last evaluated: 2025-01-24. Review status: criteria provided, single submitter. Criteria: Invitae Variant Classification Sherloc (09022015). Collection method: clinical testing. Allele origin: germline.
Comment: This sequence change replaces serine, which is neutral and polar, with cysteine, which is neutral and slightly polar, at codon 1634 of the SMCHD1 protein (p.Ser1634Cys). This variant is not present in population databases (gnomAD no frequency). This variant has not been reported in the literature in individuals affected with SMCHD1-related conditions. Invitae Evidence Modeling of protein sequence and biophysical properties (such as structural, functional, and spatial information, amino acid conservation, physicochemical variation, residue mobility, and thermodynamic stability) has been performed for this missense variant. However, the output from this modeling did not meet the statistical confidence thresholds required to predict the impact of this variant on SMCHD1 protein function. In summary, the available evidence is currently insufficient to determine the role of this variant in disease. Therefore, it has been classified as a Variant of Uncertain Significance.